The following is an entry in ClinVar:

ClinVar aggregate classification (germline): Uncertain significance (1 of 4 stars; one submission).

Submission:

Labcorp Genetics (formerly Invitae), Labcorp
Classification: Uncertain significance. Last evaluated: 2022-03-26. Review status: criteria provided, single submitter. Criteria: Invitae Variant Classification Sherloc (09022015). Collection method: clinical testing. Allele origin: germline.
Comment: This variant is a gross deletion of the genomic region encompassing exon(s) 6 of the TSEN2 gene. This variant would be expected to be in-frame, preserving the integrity of the reading frame. This variant has not been reported in the literature in individuals affected with TSEN2-related conditions. Experimental studies and prediction algorithms are not available or were not evaluated, and the functional significance of this variant is currently unknown. In summary, the available evidence is currently insufficient to determine the role of this variant in disease. Therefore, it has been classified as a Variant of Uncertain Significance.

NC_000003.11:g.(?_12546633)_(12546750_?)del

Gene: TSEN2 (tRNA splicing endonuclease subunit 2; plus strand). Cytogenetic location: 3p25.2.
Variant type: Deletion.
Identifiers: ClinVar variation 2426934 (VCV002426934.3).